The following is an entry in ClinVar:

NM_138694.4(PKHD1):c.9448T>C (p.Phe3150Leu)

Gene: PKHD1 (PKHD1 ciliary IPT domain containing fibrocystin/polyductin; minus strand). Cytogenetic location: 6p12.3.
Variant type: single nucleotide variant.
Coding change: c.9448T>C on transcript NM_138694.4 (MANE Select); coding-DNA position 9448, T replaced by C.
Protein change: p.Phe3150Leu; replaces phenylalanine 3150 with leucine.
Molecular consequence: missense variant.
Genome position (GRCh38, 1-based): chr6:51,748,168, A>G on the plus strand (T>C on the coding strand, the complement: PKHD1 is on the minus strand). VCF-style: chr6-51748168-A-G. GRCh37 (hg19) VCF-style: chr6-51612966-A-G.
Other names: c.9448T>C, p.Phe3150Leu (NM_170724.3); short protein forms F3150L.
Identifiers: ClinVar variation 1424884 (VCV001424884.6), dbSNP rs2150983802, ClinGen allele CA364421047.
Genomic context (GRCh38, chr6:51,748,168, plus strand): 5'-TGTTCTCTATCTCCACGCTGTTCTCTACATGTAACATGGCACCATAGTCAAAGTTCTTGA[A>G]AGCCAAGAAGCCAGAGATTCTGGTACAGTTGTCAAGTCCACTTTCCTTATAGAGATGAAG-3'
Protein context (NP_619639.3, residues 3140-3160): NCTRISGFLA[Phe3150Leu]KNFDYGAMLH

ClinVar aggregate classification (germline): Uncertain significance (1 of 4 stars; one submission).

Conditions:
Autosomal recessive polycystic kidney disease (ARPKD). Also called: AR polycystic kidney disease. Identifiers: Orphanet 731, Orphanet 8378, MedGen C0085548, MeSH D017044, MONDO:0009889.

Submission:

Labcorp Genetics (formerly Invitae), Labcorp
Classification: Uncertain significance for Autosomal recessive polycystic kidney disease. Last evaluated: 2025-06-12. Review status: criteria provided, single submitter. Criteria: Invitae Variant Classification Sherloc (09022015). Collection method: clinical testing. Allele origin: germline.
Comment: This sequence change replaces phenylalanine, which is neutral and non-polar, with leucine, which is neutral and non-polar, at codon 3150 of the PKHD1 protein (p.Phe3150Leu). This variant is not present in population databases (gnomAD no frequency). This variant has not been reported in the literature in individuals affected with PKHD1-related conditions. ClinVar contains an entry for this variant (Variation ID: 1424884). Invitae Evidence Modeling of protein sequence and biophysical properties (such as structural, functional, and spatial information, amino acid conservation, physicochemical variation, residue mobility, and thermodynamic stability) has been performed for this missense variant. However, the output from this modeling did not meet the statistical confidence thresholds required to predict the impact of this variant on PKHD1 protein function. In summary, the available evidence is currently insufficient to determine the role of this variant in disease. Therefore, it has been classified as a Variant of Uncertain Significance.